The following is an entry in ClinVar:

NM_006231.4(POLE):c.5013C>A (p.Leu1671=)

Gene: POLE (DNA polymerase epsilon, catalytic subunit; minus strand). Cytogenetic location: 12q24.33.
Variant type: single nucleotide variant.
Coding change: c.5013C>A on transcript NM_006231.4 (MANE Select); coding-DNA position 5013, C replaced by A.
Protein change: p.Leu1671=; no amino-acid change (leucine 1671 retained).
Molecular consequence: synonymous variant.
Genome position (GRCh38, 1-based): chr12:132,642,337, G>T on the plus strand (C>A on the coding strand, the complement: POLE is on the minus strand). VCF-style: chr12-132642337-G-T. GRCh37 (hg19) VCF-style: chr12-133218923-G-T.
Identifiers: ClinVar variation 473704 (VCV000473704.46), dbSNP rs1260912213, ClinGen allele CA482848767.

ClinVar aggregate classification (germline): Likely benign. Review status: criteria provided, multiple submitters, no conflicts (2 of 4 stars). 4 submissions from 4 submitters: Likely benign (4). Last evaluated 2026-01-04.

Conditions:
Hereditary cancer-predisposing syndrome. Also called: Hereditary neoplastic syndrome; Tumor predisposition; Neoplastic Syndromes, Hereditary; Hereditary Cancer Syndrome. Identifiers: Orphanet 140162, MedGen C0027672, MeSH D009386, MONDO:0015356.

Allele frequency attached by ClinVar (database versions not stated): gnomAD 0.00001; gnomAD exomes 0.00001; TOPMed 0.00001.
gnomAD v4.1: 16 of 1,594,662 alleles (0.001%); highest among the groups gnomAD compares: Non-Finnish European, 0.0014%; no homozygotes.

Submissions (4):

Labcorp Genetics (formerly Invitae), Labcorp
Classification: Likely benign. Last evaluated: 2026-01-04. Review status: criteria provided, single submitter. Criteria: Invitae Variant Classification Sherloc (09022015). Collection method: clinical testing. Allele origin: germline.

Blueprint Genetics
Classification: Likely benign. Last evaluated: 2024-09-18. Review status: criteria provided, single submitter. Criteria: ACMG Guidelines, 2015. Collection method: clinical testing. Allele origin: germline.

CeGaT Center for Human Genetics Tuebingen
Classification: Likely benign. Last evaluated: 2024-06-01. Review status: criteria provided, single submitter. Criteria: CeGaT Center For Human Genetics Tuebingen Variant Classification Criteria Version 2. Collection method: clinical testing. Allele origin: germline. Affected: yes. Observed: 1 variant allele.
Comment: POLE: BP4, BP7

Ambry Genetics
Classification: Likely benign for Hereditary cancer-predisposing syndrome. Last evaluated: 2015-07-20. Review status: criteria provided, single submitter. Criteria: Ambry Variant Classification Scheme 2023. Collection method: clinical testing. Allele origin: germline.